The following is an entry in ClinVar:

NM_000143.4(FH):c.680A>T (p.Gln227Leu)

Gene: FH (fumarate hydratase; minus strand). Cytogenetic location: 1q43.
Variant type: single nucleotide variant.
Coding change: c.680A>T on transcript NM_000143.4 (MANE Select); coding-DNA position 680, A replaced by T.
Protein change: p.Gln227Leu; replaces glutamine 227 with leucine.
Molecular consequence: missense variant.
Genome position (GRCh38, 1-based): chr1:241,508,661, T>A on the plus strand (A>T on the coding strand, the complement: FH is on the minus strand). VCF-style: chr1-241508661-T-A. GRCh37 (hg19) VCF-style: chr1-241671961-T-A.
Other names: short protein forms Q227L.
Identifiers: ClinVar variation 5021732 (VCV005021732.1).

ClinVar aggregate classification (germline): Uncertain significance (1 of 4 stars; one submission).

Conditions:
Hereditary cancer-predisposing syndrome. Also called: Neoplastic Syndromes, Hereditary; Tumor predisposition; Hereditary neoplastic syndrome; Hereditary Cancer Syndrome. Identifiers: Orphanet 140162, MedGen C0027672, MeSH D009386, MONDO:0015356.

Submission:

Ambry Genetics
Classification: Uncertain significance for Hereditary cancer-predisposing syndrome. Last evaluated: 2026-07-06. Review status: criteria provided, single submitter. Criteria: Ambry Variant Classification Scheme 2023. Collection method: clinical testing. Allele origin: germline.
Comment: The p.Q227L variant (also known as c.680A>T), located in coding exon 5 of the FH gene, results from an A to T substitution at nucleotide position 680. The glutamine at codon 227 is replaced by leucine, an amino acid with dissimilar properties. This amino acid position is conserved. In addition, the in silico prediction for this alteration is inconclusive. Based on the available evidence, the clinical significance of this variant remains unclear.